The following is an entry in ClinVar:

NM_001127178.3(PIGG):c.2677G>C (p.Ala893Pro)

Gene: PIGG (phosphatidylinositol glycan anchor biosynthesis class G (EMM blood group); plus strand). Cytogenetic location: 4p16.3.
Variant type: single nucleotide variant.
Coding change: c.2677G>C on transcript NM_001127178.3 (MANE Select); coding-DNA position 2677, G replaced by C.
Protein change: p.Ala893Pro; replaces alanine 893 with proline.
Molecular consequence: missense variant. On other transcripts: non-coding transcript variant (10).
Genome position (GRCh38, 1-based): chr4:533,923, G>C. VCF-style: chr4-533923-G-C. GRCh37 (hg19) VCF-style: chr4-527712-G-C.
Other names: c.2410G>C, p.Ala804Pro (NM_001345986.2, NM_001289051.2); c.2386G>C, p.Ala796Pro (NM_001345987.2); c.1648G>C, p.Ala550Pro (NM_001345988.2); c.1144G>C, p.Ala382Pro (NM_001345990.2, NM_001345991.2); c.1579G>C, p.Ala527Pro (NM_001345994.2); c.2653G>C, p.Ala885Pro (NM_017733.5); c.2278G>C, p.Ala760Pro (NM_001289052.2); short protein forms A760P, A804P, A527P, A382P, A885P, A550P, A796P, A893P.
Identifiers: ClinVar variation 4136555 (VCV004136555.2).

ClinVar aggregate classification (germline): Uncertain significance. Review status: criteria provided, multiple submitters, no conflicts (2 of 4 stars). 2 submissions from 2 submitters: Uncertain significance (2). Last evaluated 2026-08-01.

Conditions:
Inborn genetic diseases. Identifiers: MedGen C0950123, MeSH D030342.

Submissions (2):

CeGaT Center for Human Genetics Tuebingen
Classification: Uncertain significance. Last evaluated: 2026-08-01. Review status: criteria provided, single submitter. Criteria: CeGaT Center For Human Genetics Tuebingen Variant Classification Criteria Version 2. Collection method: clinical testing. Allele origin: germline. Affected: yes. Observed: 1 variant allele.
Comment: PIGG: PM2, BP4

Ambry Genetics
Classification: Uncertain significance for Inborn genetic diseases. Last evaluated: 2025-08-30. Review status: criteria provided, single submitter. Criteria: Ambry Variant Classification Scheme 2023. Collection method: clinical testing. Allele origin: germline.